The following is an entry in ClinVar:

ClinVar aggregate classification (germline): Uncertain significance. Review status: criteria provided, multiple submitters, no conflicts (2 of 4 stars). 2 submissions from 2 submitters: Uncertain significance (2). Last evaluated 2023-06-20.

Conditions:
Atrioventricular septal defect 5 (AVSD5). Identifiers: MedGen C3280939, MONDO:0013769, OMIM 614474.

Allele frequency attached by ClinVar (database versions not stated): gnomAD 0.00001; ExAC 0.00005; gnomAD exomes 0.00001; TOPMed 0.00001.
gnomAD v4.1: 21 of 1,603,862 alleles (0.0013%); highest among the groups gnomAD compares: Non-Finnish European, 0.0011%; no homozygotes.

Submissions (2):

Clinical Genetics Laboratory, Skane University Hospital Lund
Classification: Uncertain significance. Last evaluated: 2023-06-20. Review status: criteria provided, single submitter. Criteria: ACMG Guidelines, 2015. Collection method: clinical testing. Allele origin: germline. Affected: yes.

Labcorp Genetics (formerly Invitae), Labcorp
Classification: Uncertain significance for Atrioventricular septal defect 5. Last evaluated: 2022-08-09. Review status: criteria provided, single submitter. Criteria: Invitae Variant Classification Sherloc (09022015). Collection method: clinical testing. Allele origin: germline.
Comment: This sequence change replaces alanine, which is neutral and non-polar, with aspartic acid, which is acidic and polar, at codon 134 of the GATA6 protein (p.Ala134Asp). This variant is present in population databases (rs763120373, gnomAD 0.006%). In summary, the available evidence is currently insufficient to determine the role of this variant in disease. Therefore, it has been classified as a Variant of Uncertain Significance. This variant has not been reported in the literature in individuals affected with GATA6-related conditions. Algorithms developed to predict the effect of missense changes on protein structure and function are either unavailable or do not agree on the potential impact of this missense change (SIFT: "Deleterious"; PolyPhen-2: "Benign"; Align-GVGD: "Class C0").

NM_005257.6(GATA6):c.401C>A (p.Ala134Asp)

Gene: GATA6 (GATA binding protein 6; plus strand). Cytogenetic location: 18q11.2.
Variant type: single nucleotide variant.
Coding change: c.401C>A on transcript NM_005257.6 (MANE Select); coding-DNA position 401, C replaced by A.
Protein change: p.Ala134Asp; replaces alanine 134 with aspartic acid.
Molecular consequence: missense variant.
Genome position (GRCh38, 1-based): chr18:22,171,545, C>A. VCF-style: chr18-22171545-C-A. GRCh37 (hg19) VCF-style: chr18-19751506-C-A.
Other names: short protein forms A134D.
Identifiers: ClinVar variation 2058657 (VCV002058657.5), dbSNP rs763120373, ClinGen allele CA8908879.
Genomic context (GRCh38, chr18:22,171,545, plus strand): 5'-TGTTCACTGACCTCGACCAAGCCGCGACCGCCAGCAAGCTGCTGTGGTCCAGCCGCGGCG[C>A]CAAGCTGAGCCCCTTCGCACCCGAGCAGCCGGAGGAGATGTACCAGACCCTCGCCGCTCT-3'
Protein context (NP_005248.2, residues 124-144): ASKLLWSSRG[Ala134Asp]KLSPFAPEQP